The following is an entry in ClinVar:

NM_000361.3(THBD):c.1472G>T (p.Gly491Val)

Gene: THBD (thrombomodulin; minus strand). Cytogenetic location: 20p11.21.
Variant type: single nucleotide variant.
Coding change: c.1472G>T on transcript NM_000361.3 (MANE Select); coding-DNA position 1472, G replaced by T.
Protein change: p.Gly491Val; replaces glycine 491 with valine.
Molecular consequence: missense variant.
Genome position (GRCh38, 1-based): chr20:23,048,033, C>A on the plus strand (G>T on the coding strand, the complement: THBD is on the minus strand). VCF-style: chr20-23048033-C-A. GRCh37 (hg19) VCF-style: chr20-23028670-C-A.
Other names: short protein forms G491V.
Identifiers: ClinVar variation 2897863 (VCV002897863.3), dbSNP rs781631878, ClinGen allele CA9787550.

ClinVar aggregate classification (germline): Uncertain significance (1 of 4 stars; one submission).

Allele frequency attached by ClinVar (database versions not stated): gnomAD 0.00001; ExAC 0.00002; gnomAD exomes 0.00001.

Submission:

Labcorp Genetics (formerly Invitae), Labcorp
Classification: Uncertain significance. Last evaluated: 2026-01-06. Review status: criteria provided, single submitter. Criteria: Invitae Variant Classification Sherloc (09022015). Collection method: clinical testing. Allele origin: germline.
Comment: This sequence change replaces glycine, which is neutral and non-polar, with valine, which is neutral and non-polar, at codon 491 of the THBD protein (p.Gly491Val). This variant is present in population databases (rs781631878, gnomAD 0.006%). This variant has not been reported in the literature in individuals affected with THBD-related conditions. ClinVar contains an entry for this variant (Variation ID: 2897863). Invitae Evidence Modeling of protein sequence and biophysical properties (such as structural, functional, and spatial information, amino acid conservation, physicochemical variation, residue mobility, and thermodynamic stability) indicates that this missense variant is expected to disrupt THBD protein function with a positive predictive value of 80%. In summary, the available evidence is currently insufficient to determine the role of this variant in disease. Therefore, it has been classified as a Variant of Uncertain Significance.